The following is an entry in ClinVar:

ClinVar aggregate classification (germline): Likely benign. Review status: criteria provided, single submitter (1 of 4 stars). 2 submissions from 2 submitters: Likely benign (1). 1 of the submissions does not count toward it. Last evaluated 2023-12-01.

Conditions:
CDH15-related disorder. Also called: CDH15-related condition.

Allele frequency attached by ClinVar (database versions not stated): gnomAD 0.00024; TOPMed 0.00026; ExAC 0.00029; ESP Exome Variant Server 0.00038.
gnomAD v4.1: 1,258 of 1,613,368 alleles (0.078%); highest among the groups gnomAD compares: Non-Finnish European, 0.1%; 2 homozygotes.

Submissions (2):

CeGaT Center for Human Genetics Tuebingen
Classification: Likely benign. Last evaluated: 2023-12-01. Review status: criteria provided, single submitter. Criteria: CeGaT Center For Human Genetics Tuebingen Variant Classification Criteria Version 2. Collection method: clinical testing. Allele origin: germline. Affected: yes. Observed: 1 variant allele.
Comment: CDH15: BP4, BP7

PreventionGenetics, part of Exact Sciences
Classification: Likely benign for CDH15-related condition. Last evaluated: 2019-08-12. Review status: no assertion criteria provided. Collection method: clinical testing. Allele origin: germline. Not counted in ClinVar's aggregate classification.
Comment: This variant is classified as likely benign based on ACMG/AMP sequence variant interpretation guidelines (Richards et al. 2015 PMID: 25741868, with internal and published modifications).

NM_004933.3(CDH15):c.111G>A (p.Ala37=)

Gene: CDH15 (cadherin 15; plus strand). Cytogenetic location: 16q24.3.
Variant type: single nucleotide variant.
Coding change: c.111G>A on transcript NM_004933.3 (MANE Select); coding-DNA position 111, G replaced by A.
Protein change: p.Ala37=; no amino-acid change (alanine 37 retained).
Molecular consequence: synonymous variant.
Genome position (GRCh38, 1-based): chr16:89,179,484, G>A. VCF-style: chr16-89179484-G-A. GRCh37 (hg19) VCF-style: chr16-89245892-G-A.
Other names: c.111G>A (NM_004933.2).
Identifiers: ClinVar variation 3025587 (VCV003025587.23), dbSNP rs373216025, ClinGen allele CA8238679.